The following is an entry in ClinVar:

ClinVar aggregate classification (germline): Uncertain significance. Review status: criteria provided, multiple submitters, no conflicts (2 of 4 stars). 2 submissions from 2 submitters: Uncertain significance (2). Last evaluated 2024-02-25.

gnomAD v4.1: 4 of 1,614,188 alleles (0.00025%); highest among the groups gnomAD compares: Non-Finnish European, 0.00034%; no homozygotes.

Submissions (2):

Labcorp Genetics (formerly Invitae), Labcorp
Classification: Uncertain significance. Last evaluated: 2024-02-25. Review status: criteria provided, single submitter. Criteria: Invitae Variant Classification Sherloc (09022015). Collection method: clinical testing. Allele origin: germline.
Comment: This sequence change replaces lysine, which is basic and polar, with glutamic acid, which is acidic and polar, at codon 459 of the BMP1 protein (p.Lys459Glu). This variant is not present in population databases (gnomAD no frequency). This variant has not been reported in the literature in individuals affected with BMP1-related conditions. Advanced modeling of protein sequence and biophysical properties (such as structural, functional, and spatial information, amino acid conservation, physicochemical variation, residue mobility, and thermodynamic stability) performed at Invitae indicates that this missense variant is not expected to disrupt BMP1 protein function with a negative predictive value of 80%. In summary, the available evidence is currently insufficient to determine the role of this variant in disease. Therefore, it has been classified as a Variant of Uncertain Significance.

Mayo Clinic Laboratories, Mayo Clinic
Classification: Uncertain significance. Last evaluated: 2023-12-12. Review status: criteria provided, single submitter. Criteria: ACMG Guidelines, 2015. Collection method: clinical testing. Allele origin: germline. Observed: 1 variant allele.
Comment: PM2

NM_006129.5(BMP1):c.1375A>G (p.Lys459Glu)

Genes: BMP1 (bone morphogenetic protein 1; plus strand), LOC113788269 (BRD4-independent group 4 enhancer GRCh37_chr8:22052064-22053263; plus strand). Cytogenetic location: 8p21.3.
Variant type: single nucleotide variant.
Coding change: c.1375A>G on transcript NM_006129.5 (MANE Select); coding-DNA position 1375, A replaced by G.
Protein change: p.Lys459Glu; replaces lysine 459 with glutamic acid.
Molecular consequence: missense variant. On other transcripts: non-coding transcript variant (2).
Genome position (GRCh38, 1-based): chr8:22,194,522, A>G. VCF-style: chr8-22194522-A-G. GRCh37 (hg19) VCF-style: chr8-22052035-A-G.
Other names: p.Lys459Glu; c.1375A>G, p.Lys459Glu (NM_001199.4); short protein forms K459E.
Identifiers: ClinVar variation 3379806 (VCV003379806.3).